The following is an entry in ClinVar:

ClinVar aggregate classification (germline): Uncertain significance (1 of 4 stars; one submission).

Submission:

Labcorp Genetics (formerly Invitae), Labcorp
Classification: Uncertain significance. Last evaluated: 2022-08-16. Review status: criteria provided, single submitter. Criteria: Invitae Variant Classification Sherloc (09022015). Collection method: clinical testing. Allele origin: germline.
Comment: ClinVar contains an entry for this variant (Variation ID: 1035581). This variant is not present in population databases (gnomAD no frequency). This sequence change replaces alanine, which is neutral and non-polar, with serine, which is neutral and polar, at codon 390 of the PRKN protein (p.Ala390Ser). This variant has not been reported in the literature in individuals affected with PRKN-related conditions. Algorithms developed to predict the effect of missense changes on protein structure and function (SIFT, PolyPhen-2, Align-GVGD) all suggest that this variant is likely to be tolerated. In summary, the available evidence is currently insufficient to determine the role of this variant in disease. Therefore, it has been classified as a Variant of Uncertain Significance.

NM_004562.3(PRKN):c.1168G>T (p.Ala390Ser)

Gene: PRKN (parkin RBR E3 ubiquitin protein ligase; minus strand). Cytogenetic location: 6q26.
Variant type: single nucleotide variant.
Coding change: c.1168G>T on transcript NM_004562.3 (MANE Select); coding-DNA position 1168, G replaced by T.
Protein change: p.Ala390Ser; replaces alanine 390 with serine.
Molecular consequence: missense variant.
Genome position (GRCh38, 1-based): chr6:161,360,205, C>A on the plus strand (G>T on the coding strand, the complement: PRKN is on the minus strand). VCF-style: chr6-161360205-C-A. GRCh37 (hg19) VCF-style: chr6-161781237-C-A.
Other names: c.1084G>T, p.Ala362Ser (NM_013987.3); c.721G>T, p.Ala241Ser (NM_013988.3); short protein forms A241S, A362S, A390S.
Identifiers: ClinVar variation 1035581 (VCV001035581.10), dbSNP rs777708182, ClinGen allele CA366456639.